The following is an entry in ClinVar:

ClinVar aggregate classification (germline): Uncertain significance (1 of 4 stars; one submission).

Submission:

GeneDx
Classification: Uncertain significance. Last evaluated: 2022-12-21. Review status: criteria provided, single submitter. Criteria: GeneDx Variant Classification Process June 2021. Collection method: clinical testing. Allele origin: germline. Affected: yes.
Comment: Not observed at significant frequency in large population cohorts (gnomAD); In silico analysis supports that this missense variant has a deleterious effect on protein structure/function; Has not been previously published as pathogenic or benign to our knowledge

NM_002691.4(POLD1):c.677T>C (p.Leu226Pro)

Gene: POLD1 (DNA polymerase delta 1, catalytic subunit; plus strand). Cytogenetic location: 19q13.33.
Variant type: single nucleotide variant.
Coding change: c.677T>C on transcript NM_002691.4 (MANE Select); coding-DNA position 677, T replaced by C.
Protein change: p.Leu226Pro; replaces leucine 226 with proline.
Molecular consequence: missense variant. On other transcripts: non-coding transcript variant (1).
Genome position (GRCh38, 1-based): chr19:50,402,292, T>C. VCF-style: chr19-50402292-T-C. GRCh37 (hg19) VCF-style: chr19-50905549-T-C.
Other names: c.677T>C, p.Leu226Pro (NM_001256849.1, NM_001308632.1); short protein forms L226P.
Identifiers: ClinVar variation 2506669 (VCV002506669.1), dbSNP rs2513963794, ClinGen allele CA406974305.